The following is an entry in ClinVar:

ClinVar aggregate classification (germline): Likely pathogenic (1 of 4 stars; one submission).

Conditions:
Rare genetic deafness. Identifiers: Orphanet 96210, MedGen C5680250.

Submission:

Laboratory for Molecular Medicine, Mass General Brigham Personalized Medicine
Classification: Likely pathogenic for Rare genetic deafness. Last evaluated: 2011-01-14. Review status: criteria provided, single submitter. Criteria: ACMG Guidelines, 2015. Collection method: clinical testing. Allele origin: germline.
Comment: The 1935+4A>T variant in MYO7A has not been reported in the literature nor previously identified by our laboratory. The variant is located in the 5' splice region but does not affect the invariant +1 and +2 positions. However, positions +3 to +6 are part of the splicing consensus sequence and four splicing prediction algorithms suggest that this variant is likely to impact splicing. In addition, the fact that the variant occurs in an Usher patient with a second clearly pathogneic MYO7A variant supports the assumption that this variant is likely pathogenic.

NM_000260.4(MYO7A):c.1935+4A>T

Gene: MYO7A (myosin VIIA; plus strand). Cytogenetic location: 11q13.5.
Variant type: single nucleotide variant.
Coding change: c.1935+4A>T on transcript NM_000260.4 (MANE Select); 4 bases into the intron after coding-DNA position 1935, A replaced by T.
Molecular consequence: intron variant.
Genome position (GRCh38, 1-based): chr11:77,172,889, A>T. VCF-style: chr11-77172889-A-T. GRCh37 (hg19) VCF-style: chr11-76883935-A-T.
Other names: c.1902+4A>T (NM_001369365.1); c.1935+4A>T (NM_001127180.2).
Identifiers: ClinVar variation 3075996 (VCV003075996.1), dbSNP rs2497044521, ClinGen allele CA2695215050.